The following is an entry in ClinVar:

NM_000492.4(CFTR):c.1837G>A (p.Ala613Thr)

Gene: CFTR (CF transmembrane conductance regulator; plus strand). Cytogenetic location: 7q31.2.
Variant type: single nucleotide variant.
Coding change: c.1837G>A on transcript NM_000492.4 (MANE Select); coding-DNA position 1837, G replaced by A.
Protein change: p.Ala613Thr; replaces alanine 613 with threonine.
Molecular consequence: missense variant.
Genome position (GRCh38, 1-based): chr7:117,592,004, G>A. VCF-style: chr7-117592004-G-A. GRCh37 (hg19) VCF-style: chr7-117232058-G-A.
Other names: short protein forms A613T.
Identifiers: ClinVar variation 53401 (VCV000053401.20), dbSNP rs201978662, ClinGen allele CA326697.

ClinVar aggregate classification (germline): Pathogenic. Review status: reviewed by expert panel (3 of 4 stars). 12 submissions from 11 submitters: Pathogenic (1). 11 of the submissions do not count toward it. Last evaluated 2018-08-31.

Conditions:
CFTR-related disorder (CFTR-RD). Also called: CFTR-related condition; CFTR-related disorders. Identifiers: MedGen C5924204, MONDO:7770004.
Cystic fibrosis (CF). Also called: MUCOVISCIDOSIS. Identifiers: Orphanet 586, MedGen C0010674, MONDO:0009061, OMIM 219700. Disease mechanism: loss of function.
Congenital bilateral aplasia of vas deferens from CFTR mutation (CBAVD). Identifiers: Orphanet 48, MedGen C0403814, MONDO:0010178, OMIM 277180. Disease mechanism: loss of function.
Hereditary pancreatitis (PCTT). Also called: PRSS1-Related Hereditary Pancreatitis; Hereditary chronic pancreatitis. Identifiers: Orphanet 676, MedGen C0238339, MONDO:0008185, OMIM 167800.
Bronchiectasis with or without elevated sweat chloride 1 (BESC1). Also called: Cystic Fibrosis-Like Syndrome. Identifiers: Orphanet 60033, MedGen C2749757, MONDO:0008887, OMIM 211400.

Allele frequency attached by ClinVar (database versions not stated): gnomAD 0.00001; 1000 Genomes Project 30x 0.00016; 1000 Genomes Project 0.00020; gnomAD exomes below 0.00001.
gnomAD v4.1: 6 of 1,593,070 alleles (0.00038%); highest among the groups gnomAD compares: East Asian, 0.0022%; no homozygotes.

Submissions (12):

CFTR2
Classification: Pathogenic for Cystic fibrosis. Last evaluated: 2018-08-31. Review status: reviewed by expert panel. Criteria: Sosnay PR et al. (Nat Genet 2013). Collection method: research. Allele origin: germline. Affected: yes.

Ambry Genetics
Classification: Pathogenic for Cystic fibrosis. Last evaluated: 2026-03-20. Review status: criteria provided, single submitter. Criteria: Ambry Variant Classification Scheme 2023. Collection method: clinical testing. Allele origin: germline. Not counted in ClinVar's aggregate classification.
Comment: The p.A613T pathogenic mutation (also known as c.1837G>A), located in coding exon 14 of the CFTR gene, results from a G to A substitution at nucleotide position 1837. The alanine at codon 613 is replaced by threonine, an amino acid with similar properties. This variant has been identified in the homozygous state and/or in conjunction with other CFTR variant(s) in individual(s) with features consistent with cystic fibrosis (Lin C et al. JPGN Rep, 2022 Feb;3:e142). This variant has been reported in multiple individuals with an elevated sweat chloride level in The Clinical and Functional TRanslation of CFTR (CFTR2) database (available at CFTR2. Accessed 03/19/2026). In an assay testing CFTR function, this variant showed a functionally abnormal result (Bihler H et al. J Cyst Fibros, 2024 Jul;23:664-675). This variant has <10% of wild type function in The Clinical and Functional TRanslation of CFTR (CFTR2) database (available at CFTR2. Accessed 03/19/2026). This amino acid position is highly conserved in available vertebrate species. In addition, this alteration is predicted to be deleterious by in silico analysis. Based on the supporting evidence, this variant is interpreted as a disease-causing mutation.

Natera, Inc.
Classification: Likely pathogenic for CFTR-related disorders. Last evaluated: 2025-10-24. Review status: criteria provided, single submitter. Criteria: Natera Variant Classification Schema (03/2026). Collection method: clinical testing. Allele origin: germline. Not counted in ClinVar's aggregate classification.
Comment: The c.1837G>A variant in CFTR is a missense variant predicted to cause substitution of alanine to threonine at amino acid 613. This variant is rare in the general population with a frequency below the threshold expected for the associated phenotype(s). This variant has been observed in one or more individuals affected with the associated recessive disease, as either homozygous or compound heterozygous with a second variant (PMID: 30888834, 25910067, 29944384). Functional studies show that this variant may disrupt protein function (PMID: 29805046, 30046002). Computational prediction algorithms indicate this variant is likely to affect gene or protein function. Given the available evidence, this variant is classified as Likely Pathogenic.

Labcorp Genetics (formerly Invitae), Labcorp
Classification: Likely pathogenic for Cystic fibrosis. Last evaluated: 2025-08-15. Review status: criteria provided, single submitter. Criteria: Invitae Variant Classification Sherloc (09022015). Collection method: clinical testing. Allele origin: germline. Not counted in ClinVar's aggregate classification.
Comment: This sequence change replaces alanine, which is neutral and non-polar, with threonine, which is neutral and polar, at codon 613 of the CFTR protein (p.Ala613Thr). The frequency data for this variant in the population databases is considered unreliable, as metrics indicate poor data quality at this position in the gnomAD database. This missense change has been observed in individual(s) with clinical features of CFTR-related conditions (PMID: 10439967, 25910067, 29805046, 36259570). In at least one individual the data is consistent with being in trans (on the opposite chromosome) from a pathogenic variant. ClinVar contains an entry for this variant (Variation ID: 53401). Invitae Evidence Modeling of protein sequence and biophysical properties (such as structural, functional, and spatial information, amino acid conservation, physicochemical variation, residue mobility, and thermodynamic stability) indicates that this missense variant is expected to disrupt CFTR protein function with a positive predictive value of 80%. Experimental studies have shown that this missense change affects CFTR function (PMID: 9736778, 29805046, 30046002). In summary, the currently available evidence indicates that the variant is pathogenic, but additional data are needed to prove that conclusively. Therefore, this variant has been classified as Likely Pathogenic.

PreventionGenetics, part of Exact Sciences
Classification: Pathogenic for CFTR-related condition. Last evaluated: 2025-01-31. Review status: criteria provided, single submitter. Criteria: ACMG Guidelines, 2015. Collection method: clinical testing. Allele origin: germline. Not counted in ClinVar's aggregate classification.
Comment: The CFTR c.1837G>A variant is predicted to result in the amino acid substitution p.Ala613Thr. This variant has been reported along with the F508del variant in at least thirteen individuals with cystic fibrosis (CF, McCague et al. 2019. PubMed ID: 30888834; Lin and Woolfson. 2022. PubMed ID: 37168745). Typically, this variant is associated with pancreatic sufficient CF (CF-PS); however, one report found the A613T/F508del genotype in an individual with acute recurrent pancreatitis who developed CF ten years later (Lin and Woolfson. 2022. PubMed ID: 37168745). This variant has also been reported in individuals with CF in the absence of a second causative variant (Liechti-Gallati et al. 1999. PubMed ID: 10439967; Table S1, Dorfman et al. 2009. PubMed ID: 20059485). In vitro functional studies show reduced functional activity (class 2) due to aberrant protein processing and insufficient cell surface expression (Vankeerberghen et al. 1998. PubMed ID: 9736778; Raraigh et al. 2018. PubMed ID: 29805046; Han et al. 2018. PubMed ID: 30046002). This variant is reported in 0.0065% of alleles in individuals of European (non-Finnish) descent in gnomAD v2. This variant is interpreted as pathogenic by the CFTR2 expert group in ClinVar (ClinVar ID: 53401). This variant is interpreted as pathogenic.

Fulgent Genetics
Classification: Pathogenic for Hereditary pancreatitis; Bronchiectasis with or without elevated sweat chloride 1; Cystic fibrosis; Congenital bilateral aplasia of vas deferens from CFTR mutation. Last evaluated: 2024-04-28. Review status: criteria provided, single submitter. Criteria: ACMG Guidelines, 2015. Collection method: clinical testing. Allele origin: germline. Not counted in ClinVar's aggregate classification.

Baylor Genetics
Classification: Likely pathogenic for Bronchiectasis with or without elevated sweat chloride 1. Last evaluated: 2023-11-07. Review status: criteria provided, single submitter. Criteria: ACMG Guidelines, 2015. Collection method: clinical testing. Allele origin: unknown. Not counted in ClinVar's aggregate classification.

Women's Health and Genetics/Laboratory Corporation of America, LabCorp
Classification: Pathogenic for Cystic fibrosis. Last evaluated: 2022-10-24. Review status: criteria provided, single submitter. Criteria: LabCorp Variant Classification Summary - May 2015. Collection method: clinical testing. Allele origin: germline. Not counted in ClinVar's aggregate classification.
Comment: Variant summary: CFTR c.1837G>A (p.Ala613Thr) results in a non-conservative amino acid change located in the ABC transporter-like, ATP-binding domain (IPR003439) of the encoded protein sequence. Four of five in-silico tools predict a damaging effect of the variant on protein function. The variant was absent in 229320 control chromosomes. c.1837G>A has been reported in the literature as a biallelic compound heterozygous genotype in multiple individuals affected with Cystic Fibrosis (example, Liechti-Gallati_1999, McCague_2019). These data indicate that the variant is very likely to be associated with disease. At least one publication reports experimental evidence evaluating an impact on protein function. The most pronounced variant effect results in approximately 2.3-2.7% of normal residual CFTR function (Han_2018, Raraigh_2018). Additionally, In vitro studies show that the mutant is not properly glycosylated to 190 kDa form, therefore little to no functional A613T CFTR protein would localize to the cell membrane (Vankeerberghen 1998). Two clinical diagnostic laboratories and the CFTR2 database have submitted clinical-significance assessments for this variant to ClinVar after 2014 without evidence for independent evaluation (Pathogenic, n=2; VUS, n=1). Based on the evidence outlined above, the variant was classified as pathogenic.

Genome Diagnostics Laboratory, The Hospital for Sick Children
Classification: Pathogenic for Cystic fibrosis. Last evaluated: 2020-03-08. Review status: criteria provided, single submitter. Criteria: ACMG Guidelines, 2015. Collection method: clinical testing. Allele origin: germline. Not counted in ClinVar's aggregate classification.

Juno Genomics, Hangzhou Juno Genomics, Inc
Classification: Pathogenic for Congenital bilateral aplasia of vas deferens from CFTR mutation; Cystic fibrosis. Review status: criteria provided, single submitter. Criteria: ACMG Guidelines, 2015. Collection method: clinical testing. Allele origin: germline. Affected: yes. Not counted in ClinVar's aggregate classification.
Comment: Absent from controls (or at extremely low frequency if recessive) in Genome Aggregation Database.;Well-established in vitro or in vivo functional studies supportive of a damaging effect on the gene or gene product.;For recessive disorders, detected in trans with a pathogenic variant.;Patient's phenotype or family history is highly specific for a disease with a single genetic etiology.

Genome Diagnostics Laboratory, The Hospital for Sick Children
Classification: Pathogenic for CFTR-related disorders. Last evaluated: 2020-03-08. Review status: no assertion criteria provided. Collection method: clinical testing. Allele origin: germline. Not counted in ClinVar's aggregate classification.

ClinVar Staff, National Center for Biotechnology Information (NCBI)
No classification provided. Condition: CFTR-related disorders. Review status: no classification provided. Collection method: literature only. Allele origin: germline. Affected: yes. Not counted in ClinVar's aggregate classification.

Literature cited by the submitters: PubMed 37168745 (cited by Ambry Genetics); PubMed 38388235 (cited by Ambry Genetics); PubMed 30888834 (cited by Natera, Inc. and Women's Health and Genetics/Laboratory Corporation of America, LabCorp); PubMed 25910067 (cited by Natera, Inc. and Labcorp Genetics (formerly Invitae), Labcorp); PubMed 29944384 (cited by Natera, Inc.); PubMed 29805046 (cited by 3 submitters); PubMed 30046002 (cited by 3 submitters); PubMed 10439967 (cited by Labcorp Genetics (formerly Invitae), Labcorp and Women's Health and Genetics/Laboratory Corporation of America, LabCorp); PubMed 36259570 (cited by Labcorp Genetics (formerly Invitae), Labcorp); PubMed 9736778 (cited by 3 submitters); PubMed 15463917 (cited by Women's Health and Genetics/Laboratory Corporation of America, LabCorp); PubMed 20799350 (cited by Women's Health and Genetics/Laboratory Corporation of America, LabCorp); PubMed 20059485 (cited by ClinVar Staff, National Center for Biotechnology Information (NCBI)).